The following is an entry in ClinVar:

NM_004667.6(HERC2):c.8537C>T (p.Pro2846Leu)

Gene: HERC2 (HECT and RLD domain containing E3 ubiquitin protein ligase 2; minus strand). Cytogenetic location: 15q13.1.
Variant type: single nucleotide variant.
Coding change: c.8537C>T on transcript NM_004667.6 (MANE Select); coding-DNA position 8537, C replaced by T.
Protein change: p.Pro2846Leu; replaces proline 2846 with leucine.
Molecular consequence: missense variant.
Genome position (GRCh38, 1-based): chr15:28,191,159, G>A on the plus strand (C>T on the coding strand, the complement: HERC2 is on the minus strand). VCF-style: chr15-28191159-G-A. GRCh37 (hg19) VCF-style: chr15-28436305-G-A.
Other names: short protein forms P2846L.
Identifiers: ClinVar variation 1320920 (VCV001320920.2), dbSNP rs2140266928, ClinGen allele CA391390215.

ClinVar aggregate classification (germline): Uncertain significance (1 of 4 stars; one submission).

Submission:

GeneDx
Classification: Uncertain significance. Last evaluated: 2019-07-22. Review status: criteria provided, single submitter. Criteria: GeneDx Variant Classification Process June 2021. Collection method: clinical testing. Allele origin: germline. Affected: yes.
Comment: Not observed in large population cohorts (Lek et al., 2016); In silico analysis, which includes protein predictors and evolutionary conservation, supports a deleterious effect; Has not been previously published as pathogenic or benign to our knowledge